The following is an entry in ClinVar:

NM_001165963.4(SCN1A):c.1843G>T (p.Gly615Ter)

Gene: SCN1A (sodium voltage-gated channel alpha subunit 1; minus strand). Cytogenetic location: 2q24.3.
Variant type: single nucleotide variant.
Coding change: c.1843G>T on transcript NM_001165963.4 (MANE Select); coding-DNA position 1843, G replaced by T.
Protein change: p.Gly615Ter; replaces glycine 615 with a stop codon.
Molecular consequence: nonsense. On other transcripts: 5 prime UTR variant (1), non-coding transcript variant (1).
Genome position (GRCh38, 1-based): chr2:166,043,869, C>A on the plus strand (G>T on the coding strand, the complement: SCN1A is on the minus strand). VCF-style: chr2-166043869-C-A. GRCh37 (hg19) VCF-style: chr2-166900379-C-A.
Other names: c.1843G>T, p.Gly615Ter (NM_001165964.3, NM_001202435.3, NM_001353948.2 and 7 more transcripts); c.1840G>T, p.Gly614Ter (NM_001353954.2, NM_001353955.2, NM_001353960.2); c.-583G>T (NM_001353961.2); short protein forms G614*, G615*.
Identifiers: ClinVar variation 930758 (VCV000930758.3), dbSNP rs1271824691, ClinGen allele CA349067478.

ClinVar aggregate classification (germline): Pathogenic (1 of 4 stars; one submission).

Conditions:
Migraine, familial hemiplegic, 3. Identifiers: Orphanet 569, MedGen C1864987, MONDO:0012320, OMIM 609634.

Submission:

Centre for Mendelian Genomics, University Medical Centre Ljubljana
Classification: Pathogenic for Migraine, familial hemiplegic, 3. Last evaluated: 2019-08-02. Review status: criteria provided, single submitter. Criteria: ACMG Guidelines, 2015. Collection method: clinical testing. Allele origin: unknown. Affected: yes.
Comment: This variant was classified as: Pathogenic. The following ACMG criteria were applied in classifying this variant: PVS1,PM6,PM2.